The following is an entry in ClinVar:

ClinVar aggregate classification (germline): Uncertain significance (1 of 4 stars; one submission).

Submission:

Labcorp Genetics (formerly Invitae), Labcorp
Classification: Uncertain significance. Last evaluated: 2021-12-12. Review status: criteria provided, single submitter. Criteria: Invitae Variant Classification Sherloc (09022015). Collection method: clinical testing. Allele origin: germline.
Comment: In summary, the available evidence is currently insufficient to determine the role of this variant in disease. Therefore, it has been classified as a Variant of Uncertain Significance. Experimental studies and prediction algorithms are not available or were not evaluated, and the functional significance of this variant is currently unknown. This variant has not been reported in the literature in individuals affected with PRDM13-related conditions. This variant is present in population databases (no rsID available, gnomAD 0.003%). This sequence change results in a frameshift in the PRDM13 gene (p.Val699Leufs*19). While this is not anticipated to result in nonsense mediated decay, it is expected to disrupt the last 9 amino acid(s) of the PRDM13 protein and extend the protein by 9 additional amino acid residues.

NM_021620.4(PRDM13):c.2095del (p.Val699fs)

Gene: PRDM13 (PR/SET domain 13; plus strand). Cytogenetic location: 6q16.2.
Variant type: Deletion.
Coding change: c.2095del on transcript NM_021620.4 (MANE Select); coding-DNA position 2095, one base deleted (G; older notation c.2095delG).
Protein change: p.Val699fs; shifts the reading frame from valine 699.
Molecular consequence: frameshift variant.
Genome position (GRCh38, 1-based): chr6:99,614,730, G deleted; the last of 2 consecutive G bases (chr6:99,614,729-99,614,730); deleting either gives the same sequence. VCF-style (leftmost placement, unchanged base first): chr6-99614728-AG-A. GRCh37 (hg19) VCF-style: chr6-100062604-AG-A.
Other names: short protein forms V699fs.
Identifiers: ClinVar variation 1981002 (VCV001981002.4), dbSNP rs1562509466, ClinGen allele CA569086286.